The following is an entry in ClinVar:

NM_005465.7(AKT3):c.62dup (p.Asn21fs)

Gene: AKT3 (AKT serine/threonine kinase 3; minus strand). Cytogenetic location: 1q44.
Variant type: Duplication.
Coding change: c.62dup on transcript NM_005465.7 (MANE Select); coding-DNA position 62, one base duplicated (A; older notation c.62dupA).
Protein change: p.Asn21fs; shifts the reading frame from asparagine 21.
Molecular consequence: frameshift variant.
Genome position (GRCh38, 1-based): chr1:243,695,701, T duplicated on the plus strand (A on the coding strand, the reverse complement: AKT3 is on the minus strand); the first of 6 consecutive T bases (chr1:243,695,701-243,695,706); duplicating any one gives the same sequence. VCF-style (leftmost placement, unchanged base first): chr1-243695700-G-GT. GRCh37 (hg19) VCF-style: chr1-243859002-G-GT.
Other names: c.62dup, p.Asn21fs (NM_001206729.2, NM_001370074.1, NM_181690.2); short protein forms N21fs.
Identifiers: ClinVar variation 4975876 (VCV004975876.1).

ClinVar aggregate classification (germline): Uncertain significance (1 of 4 stars; one submission).

Submission:

GeneDx
Classification: Uncertain significance. Last evaluated: 2026-02-03. Review status: criteria provided, single submitter. Criteria: GeneDx Variant Classification Process June 2021. Collection method: clinical testing. Allele origin: germline.
Comment: Frameshift variant predicted to result in protein truncation or nonsense mediated decay in a gene or region of a gene for which loss of function is not a well-established mechanism of disease; Not observed at significant frequency in large population cohorts (gnomAD); Has not been previously published as pathogenic or benign to our knowledge